The following is an entry in ClinVar:

NM_001184.4(ATR):c.5654C>G (p.Ala1885Gly)

Gene: ATR (ATR checkpoint kinase; minus strand). Cytogenetic location: 3q23.
Variant type: single nucleotide variant.
Coding change: c.5654C>G on transcript NM_001184.4 (MANE Select); coding-DNA position 5654, C replaced by G.
Protein change: p.Ala1885Gly; replaces alanine 1885 with glycine.
Molecular consequence: missense variant.
Genome position (GRCh38, 1-based): chr3:142,497,097, G>C on the plus strand (C>G on the coding strand, the complement: ATR is on the minus strand). VCF-style: chr3-142497097-G-C. GRCh37 (hg19) VCF-style: chr3-142215939-G-C.
Other names: c.5462C>G, p.Ala1821Gly (NM_001354579.2); short protein forms A1821G, A1885G.
Identifiers: ClinVar variation 3653022 (VCV003653022.2).

ClinVar aggregate classification (germline): Uncertain significance (1 of 4 stars; one submission).

Submission:

Labcorp Genetics (formerly Invitae), Labcorp
Classification: Uncertain significance. Last evaluated: 2024-05-11. Review status: criteria provided, single submitter. Criteria: Invitae Variant Classification Sherloc (09022015). Collection method: clinical testing. Allele origin: germline.
Comment: This sequence change replaces alanine, which is neutral and non-polar, with glycine, which is neutral and non-polar, at codon 1885 of the ATR protein (p.Ala1885Gly). This variant is not present in population databases (gnomAD no frequency). This variant has not been reported in the literature in individuals affected with ATR-related conditions. An algorithm developed to predict the effect of missense changes on protein structure and function (PolyPhen-2) suggests that this variant is likely to be disruptive. Algorithms developed to predict the effect of sequence changes on RNA splicing suggest that this variant may disrupt the consensus splice site. In summary, the available evidence is currently insufficient to determine the role of this variant in disease. Therefore, it has been classified as a Variant of Uncertain Significance.